The following is an entry in ClinVar:

ClinVar aggregate classification (germline): Uncertain significance. Review status: criteria provided, multiple submitters, no conflicts (2 of 4 stars). 2 submissions from 2 submitters: Uncertain significance (2). Last evaluated 2024-09-18.

Allele frequency attached by ClinVar (database versions not stated): gnomAD 0.00002; TOPMed 0.00003; 1000 Genomes Project 0.00020; 1000 Genomes Project 30x 0.00031.
gnomAD v4.1: 17 of 1,475,478 alleles (0.0012%); highest among the groups gnomAD compares: East Asian, 0.016%; no homozygotes.

Submissions (2):

Women's Health and Genetics/Laboratory Corporation of America, LabCorp
Classification: Uncertain significance. Last evaluated: 2024-09-18. Review status: criteria provided, single submitter. Criteria: LabCorp Variant Classification Summary - May 2015. Collection method: clinical testing. Allele origin: germline.
Comment: Variant summary: HBB c.316-79G>A alters a non-conserved nucleotide located at a position not widely known to affect splicing. Several computational tools predict a significant impact on normal splicing: Two predict the variant creates a 5' donor site. One predict the variant strengthens a 5' donor site. Two predict the variant creates a 3' acceptor site. However, these predictions have yet to be confirmed by functional studies. The variant allele was found at a frequency of 1.2e-05 in 1475478 control chromosomes (gnomAD v4.1.0). This frequency is not significantly higher than estimated for a pathogenic variant in HBB causing Hemoglobinopathy (1.2e-05 vs 0.011), allowing no conclusion about variant significance. To our knowledge, no occurrence of c.316-79G>A in individuals affected with Hemoglobinopathy and no experimental evidence demonstrating its impact on protein function have been reported. ClinVar contains an entry for this variant (Variation ID: 2199483). Based on the evidence outlined above, the variant was classified as uncertain significance.

Labcorp Genetics (formerly Invitae), Labcorp
Classification: Uncertain significance. Last evaluated: 2018-07-26. Review status: criteria provided, single submitter. Criteria: Invitae Variant Classification Sherloc (09022015). Collection method: clinical testing. Allele origin: germline.
Comment: This sequence change falls in intron 2 of the HBB gene. It does not directly change the encoded amino acid sequence of the HBB protein. This variant has not been reported in the literature in individuals with HBB-related disease. Algorithms developed to predict the effect of sequence changes on RNA splicing suggest that this variant may create or strengthen a splice site, but this prediction has not been confirmed by published transcriptional studies. In summary, the available evidence is currently insufficient to determine the role of this variant in disease. Therefore, it has been classified as a Variant of Uncertain Significance.

NM_000518.5(HBB):c.316-79G>A

Genes: HBB (hemoglobin subunit beta; minus strand), LOC107133510 (origin of replication at HBB; plus strand), LOC110006319 (beta-globin gene 3' regulatory region; plus strand). Cytogenetic location: 11p15.4.
Variant type: single nucleotide variant.
Coding change: c.316-79G>A on transcript NM_000518.5 (MANE Select); 79 bases into the intron before coding-DNA position 316, G replaced by A.
Molecular consequence: intron variant.
Genome position (GRCh38, 1-based): chr11:5,225,805, C>T on the plus strand (G>A on the coding strand, the complement: HBB is on the minus strand). VCF-style: chr11-5225805-C-T. GRCh37 (hg19) VCF-style: chr11-5247035-C-T.
Identifiers: ClinVar variation 2199483 (VCV002199483.2), dbSNP rs181743523, ClinGen allele CA217112946.